The following is an entry in ClinVar:

ClinVar aggregate classification (germline): Uncertain significance (1 of 4 stars; one submission).

Submission:

Labcorp Genetics (formerly Invitae), Labcorp
Classification: Uncertain significance. Last evaluated: 2020-10-15. Review status: criteria provided, single submitter. Criteria: Invitae Variant Classification Sherloc (09022015). Collection method: clinical testing. Allele origin: germline.
Comment: A copy number gain of the genomic region encompassing the full coding sequence of the DTNBP1 gene has been identified. The boundaries of this event are unknown as they extend beyond the assayed region for this gene and therefore may encompass additional genes. As the precise location of this event is unknown, it may be in tandem or it may be located elsewhere in the genome. This variant has not been reported in the literature in individuals with DTNBP1-related conditions. In summary, the available evidence is currently insufficient to determine the role of this variant in disease. Therefore, it has been classified as a Variant of Uncertain Significance.

NC_000006.11:g.(?_15523206)_(16146982_?)dup

Genes: DTNBP1 (dystrobrevin binding protein 1; minus strand), MYLIP (myosin regulatory light chain interacting protein; plus strand). Cytogenetic location: 6p22.3.
Variant type: Duplication.
Identifiers: ClinVar variation 1064349 (VCV001064349.4).